The following is an entry in ClinVar:

NM_021008.4(DEAF1):c.1652A>G (p.Asp551Gly)

Gene: DEAF1 (DEAF1 transcription factor; minus strand). Cytogenetic location: 11p15.5.
Variant type: single nucleotide variant.
Coding change: c.1652A>G on transcript NM_021008.4 (MANE Select); coding-DNA position 1652, A replaced by G.
Protein change: p.Asp551Gly; replaces aspartic acid 551 with glycine.
Molecular consequence: missense variant.
Genome position (GRCh38, 1-based): chr11:644,596, T>C on the plus strand (A>G on the coding strand, the complement: DEAF1 is on the minus strand). VCF-style: chr11-644596-T-C. GRCh37 (hg19) VCF-style: chr11-644596-T-C.
Other names: c.1427A>G, p.Asp476Gly (NM_001293634.2); c.926A>G, p.Asp309Gly (NM_001367390.1); short protein forms D551G, D309G, D476G.
Identifiers: ClinVar variation 493084 (VCV000493084.46), dbSNP rs1456474946, ClinGen allele CA379012262.
Genomic context (GRCh38, chr11:644,596, plus strand): 5'-CGGCCGATGGAGCCTCACACGGTCACCTTCTCCATCACGCTTTCAGCCACGTGGACTTCG[T>C]CTGCCTGGACGGTGACAGCTGCTGACTGGCCGCATATGTGCTGGTGATCCTTCCAGTCCT-3'
Protein context (NP_066288.2, residues 541-561): GQSAAVTVQA[Asp551Gly]EVHVAESVME

ClinVar aggregate classification (germline): Uncertain significance. Review status: criteria provided, multiple submitters, no conflicts (2 of 4 stars). 2 submissions from 2 submitters: Uncertain significance (2). Last evaluated 2023-04-03.

Allele frequency attached by ClinVar (database versions not stated): gnomAD exomes below 0.00001 and 0.00001; gnomAD 0.00001; TOPMed 0.00001.
gnomAD v4.1: 14 of 1,613,106 alleles (0.00087%); highest among the groups gnomAD compares: Non-Finnish European, 0.0012%; no homozygotes.

Submissions (2):

Labcorp Genetics (formerly Invitae), Labcorp
Classification: Uncertain significance. Last evaluated: 2023-04-03. Review status: criteria provided, single submitter. Criteria: Invitae Variant Classification Sherloc (09022015). Collection method: clinical testing. Allele origin: germline.
Comment: In summary, the available evidence is currently insufficient to determine the role of this variant in disease. Therefore, it has been classified as a Variant of Uncertain Significance. Advanced modeling of protein sequence and biophysical properties (such as structural, functional, and spatial information, amino acid conservation, physicochemical variation, residue mobility, and thermodynamic stability) performed at Invitae indicates that this missense variant is not expected to disrupt DEAF1 protein function. ClinVar contains an entry for this variant (Variation ID: 493084). This variant has not been reported in the literature in individuals affected with DEAF1-related conditions. This variant is present in population databases (no rsID available, gnomAD 0.002%). This sequence change replaces aspartic acid, which is acidic and polar, with glycine, which is neutral and non-polar, at codon 551 of the DEAF1 protein (p.Asp551Gly).

CeGaT Center for Human Genetics Tuebingen
Classification: Uncertain significance. Last evaluated: 2018-05-01. Review status: criteria provided, single submitter. Criteria: CeGaT Center For Human Genetics Tuebingen Variant Classification Criteria Version 2. Collection method: clinical testing. Allele origin: germline. Affected: yes. Observed: 3 variant alleles.